The following is an entry in ClinVar:

NM_001482.3(GATM):c.77G>A (p.Arg26Gln)

Gene: GATM (glycine amidinotransferase; minus strand). Cytogenetic location: 15q21.1.
Variant type: single nucleotide variant.
Coding change: c.77G>A on transcript NM_001482.3 (MANE Select); coding-DNA position 77, G replaced by A.
Protein change: p.Arg26Gln; replaces arginine 26 with glutamine.
Molecular consequence: missense variant. On other transcripts: 5 prime UTR variant (1).
Genome position (GRCh38, 1-based): chr15:45,376,812, C>T on the plus strand (G>A on the coding strand, the complement: GATM is on the minus strand). VCF-style: chr15-45376812-C-T. GRCh37 (hg19) VCF-style: chr15-45669010-C-T.
Other names: c.-311G>A (NM_001321015.2); short protein forms R26Q.
Identifiers: ClinVar variation 1720311 (VCV001720311.5), dbSNP rs1193533349, ClinGen allele CA392266034.

ClinVar aggregate classification (germline): Uncertain significance (1 of 4 stars; one submission).

Conditions:
Arginine:glycine amidinotransferase deficiency (CCDS3). Also called: AGAT deficiency; L-Arginine:Glycine Amidinotransferase Deficiency; Creatine deficiency syndrome due to AGAT deficiency; GATM deficiency; Cerebral creatine deficiency syndrome 3; L-Arginine:Glycine Amidinotransferase (AGAT) Deficiency. Identifiers: Orphanet 35704, MedGen C2675179, MONDO:0012996, OMIM 612718.

gnomAD v4.1: 1 of 1,613,630 alleles (0.000062%); highest among the groups gnomAD compares: East Asian, 0.0022%; no homozygotes.

Submission:

Labcorp Genetics (formerly Invitae), Labcorp
Classification: Uncertain significance for Arginine:glycine amidinotransferase deficiency. Last evaluated: 2022-09-24. Review status: criteria provided, single submitter. Criteria: Invitae Variant Classification Sherloc (09022015). Collection method: clinical testing. Allele origin: germline.
Comment: In summary, the available evidence is currently insufficient to determine the role of this variant in disease. Therefore, it has been classified as a Variant of Uncertain Significance. Algorithms developed to predict the effect of missense changes on protein structure and function (SIFT, PolyPhen-2, Align-GVGD) all suggest that this variant is likely to be tolerated. This sequence change replaces arginine, which is basic and polar, with glutamine, which is neutral and polar, at codon 26 of the GATM protein (p.Arg26Gln). This variant is not present in population databases (gnomAD no frequency). This variant has not been reported in the literature in individuals affected with GATM-related conditions.